The following is an entry in ClinVar:

NM_015559.3(SETBP1):c.540+7417TC[5]

Gene: SETBP1 (SET binding protein 1; plus strand). Cytogenetic location: 18q12.3.
Variant type: Microsatellite.
Coding change: c.540+7417TC[5] on transcript NM_015559.3 (MANE Select); five copies in a row of the 2-base unit TC starting at c.540+7417; the reference has three copies in a row; two copies, 4 bases duplicated.
Molecular consequence: intron variant. On other transcripts: frameshift variant (1).
Genome position (GRCh38, 1-based): chr18:44,876,702-44,876,705, TCTC duplicated; duplicating any 4 consecutive bases within chr18:44,876,700-44,876,705 gives the same sequence; the position shown is the placement nearest the transcript's 3' end. VCF-style (leftmost placement, unchanged base first): chr18-44876699-T-TTCTC. GRCh37 (hg19) VCF-style: chr18-42456664-T-TTCTC.
Other names: c.678_681dup, p.Thr228fs (NM_001130110.2); c.540+7417TC[5] (NM_001379141.1, NM_001410862.1, NM_001379142.1); short protein forms T228fs.
Identifiers: ClinVar variation 3048082 (VCV003048082.2), dbSNP rs202066186, ClinGen allele CA779659073.
Genomic context (GRCh38, chr18:44,876,699, plus strand): 5'-GTCCCAGGAACGTGCCATGTGCTTCTCATGCCCCCGGAACCCATTCCCCGCAAAACCCGG[T>TTCTC]TCTCTCACTCTTCCTTTTCACAGTGAACCTGCAGTCTGGGCACAAGAAGTATAACTTCGC-3'

ClinVar aggregate classification (germline): Likely pathogenic (0 of 4 stars; one submission).

Conditions:
SETBP1-related disorder. Also called: SETBP1-related condition; SETBP1-related disorders.

Submission:

PreventionGenetics, part of Exact Sciences
Classification: Likely pathogenic for SETBP1-related condition. Last evaluated: 2023-12-06. Review status: no assertion criteria provided. Collection method: clinical testing. Allele origin: germline.
Comment: The SETBP1 c.678_681dupTCTC variant is predicted to result in a frameshift and premature protein termination (p.Thr228Serfs*8). To our knowledge, this variant has not been reported in the literature or in a large population database, indicating this variant is rare. Frameshift variants in SETBP1 are expected to be pathogenic. This variant is interpreted as likely pathogenic.